The following is an entry in ClinVar:

ClinVar aggregate classification (germline): Pathogenic (1 of 4 stars; one submission).

Conditions:
Fetal anomalies with a likely genetic cause.

Submission:

Genetics Laboratory, Great Ormond Street Hospital NHS Foundation Trust, North Thames Genomic Laboratory Hub
Classification: Pathogenic for Fetal anomalies with a likely genetic cause. Last evaluated: 2026-09-17. Review status: criteria provided, single submitter. Criteria: ACGS Best Practice Guidelines for Variant Classification in Rare Disease 2024 v1.2. Collection method: clinical testing. Allele origin: germline. Affected: yes.
Comment: PM2_moderate, PVS1_very-strong

NM_181783.4(TMTC3):c.1101del (p.Pro368fs)

Gene: TMTC3 (transmembrane O-mannosyltransferase targeting cadherins 3; plus strand). Cytogenetic location: 12q21.32.
Variant type: Deletion.
Coding change: c.1101del on transcript NM_181783.4 (MANE Select); coding-DNA position 1101, one base deleted (T; older notation c.1101delT).
Protein change: p.Pro368fs; shifts the reading frame from proline 368.
Molecular consequence: frameshift variant. On other transcripts: non-coding transcript variant (1).
Genome position (GRCh38, 1-based): chr12:88,172,647, T deleted; the last of 8 consecutive T bases (chr12:88,172,640-88,172,647); deleting any one gives the same sequence. VCF-style (leftmost placement, unchanged base first): chr12-88172639-CT-C. GRCh37 (hg19) VCF-style: chr12-88566416-CT-C.
Other names: c.921del, p.Pro308fs (NM_001366574.1); c.882del, p.Pro295fs (NM_001366579.1); c.834del, p.Pro279fs (NM_001366580.1); c.408del, p.Pro137fs (NM_001366583.1); short protein forms P137fs, P279fs, P295fs, P308fs, P368fs.
Identifiers: ClinVar variation 5043311 (VCV005043311.1).